The following is an entry in ClinVar:

NM_152703.5(SAMD9L):c.1313T>C (p.Ile438Thr)

Gene: SAMD9L (sterile alpha motif domain containing 9 like; minus strand). Cytogenetic location: 7q21.2.
Variant type: single nucleotide variant.
Coding change: c.1313T>C on transcript NM_152703.5 (MANE Select); coding-DNA position 1313, T replaced by C.
Protein change: p.Ile438Thr; replaces isoleucine 438 with threonine.
Molecular consequence: missense variant.
Genome position (GRCh38, 1-based): chr7:93,134,659, A>G on the plus strand (T>C on the coding strand, the complement: SAMD9L is on the minus strand). VCF-style: chr7-93134659-A-G. GRCh37 (hg19) VCF-style: chr7-92763972-A-G.
Other names: c.1313T>C, p.Ile438Thr (NM_001303496.3, NM_001303497.3, NM_001303498.3 and 5 more transcripts); short protein forms I438T.
Identifiers: ClinVar variation 4159454 (VCV004159454.1).
Genomic context (GRCh38, chr7:93,134,659, plus strand): 5'-GCTTTGACCACTCCATTGATCATAGATTCAGGATCAAACTCCAACACAGCAAACCATTTA[A>G]TTTCTTTTAAAAAATCTAAGTGCTTTATTTGGTTTGGATGGCATTTATTTGTTACAAGAA-3'
Protein context (NP_689916.2, residues 428-448): QIKHLDFLKE[Ile438Thr]KWFAVLEFDP

ClinVar aggregate classification (germline): Uncertain significance (1 of 4 stars; one submission).

Conditions:
Inborn genetic diseases. Identifiers: MedGen C0950123, MeSH D030342.

Submission:

Ambry Genetics
Classification: Uncertain significance for Inborn genetic diseases. Last evaluated: 2025-09-04. Review status: criteria provided, single submitter. Criteria: Ambry Variant Classification Scheme 2023. Collection method: clinical testing. Allele origin: germline.
Comment: The p.I438T variant (also known as c.1313T>C), located in coding exon 1 of the SAMD9L gene, results from a T to C substitution at nucleotide position 1313. The isoleucine at codon 438 is replaced by threonine, an amino acid with similar properties. This amino acid position is conserved. In addition, this alteration is predicted to be tolerated by in silico analysis. Based on the available evidence, the clinical significance of this variant remains unclear.